The following is an entry in ClinVar:

ClinVar aggregate classification (germline): Uncertain significance. Review status: criteria provided, multiple submitters, no conflicts (2 of 4 stars). 2 submissions from 2 submitters: Uncertain significance (2). Last evaluated 2023-08-17.

Conditions:
Emery-Dreifuss muscular dystrophy 5, autosomal dominant (EDMD5). Also called: EMERY-DREIFUSS MUSCULAR DYSTROPHY 5. Identifiers: Orphanet 261, MedGen C2751805, MONDO:0013072, OMIM 612999.

Allele frequency attached by ClinVar (database versions not stated): gnomAD exomes below 0.00001.
gnomAD v4.1: 5 of 1,614,210 alleles (0.00031%); highest among the groups gnomAD compares: Non-Finnish European, 0.00042%; no homozygotes.

Submissions (2):

Labcorp Genetics (formerly Invitae), Labcorp
Classification: Uncertain significance for Emery-Dreifuss muscular dystrophy 5, autosomal dominant. Last evaluated: 2023-08-17. Review status: criteria provided, single submitter. Criteria: Invitae Variant Classification Sherloc (09022015). Collection method: clinical testing. Allele origin: germline.
Comment: ClinVar contains an entry for this variant (Variation ID: 2237065). This sequence change replaces lysine, which is basic and polar, with asparagine, which is neutral and polar, at codon 5818 of the SYNE2 protein (p.Lys5818Asn). This variant is present in population databases (no rsID available, gnomAD 0.0009%). This variant has not been reported in the literature in individuals affected with SYNE2-related conditions. An algorithm developed to predict the effect of missense changes on protein structure and function (PolyPhen-2) suggests that this variant is likely to be disruptive. In summary, the available evidence is currently insufficient to determine the role of this variant in disease. Therefore, it has been classified as a Variant of Uncertain Significance.

Ambry Genetics
Classification: Uncertain significance. Last evaluated: 2021-07-14. Review status: criteria provided, single submitter. Criteria: Ambry Variant Classification Scheme 2023. Collection method: clinical testing. Allele origin: germline.

NM_182914.3(SYNE2):c.17454A>T (p.Lys5818Asn)

Gene: SYNE2 (spectrin repeat containing nuclear envelope protein 2; plus strand). Cytogenetic location: 14q23.2.
Variant type: single nucleotide variant.
Coding change: c.17454A>T on transcript NM_182914.3 (MANE Select); coding-DNA position 17454, A replaced by T.
Protein change: p.Lys5818Asn; replaces lysine 5818 with asparagine.
Molecular consequence: missense variant.
Genome position (GRCh38, 1-based): chr14:64,177,381, A>T. VCF-style: chr14-64177381-A-T. GRCh37 (hg19) VCF-style: chr14-64644099-A-T.
Other names: c.17454A>T, p.Lys5818Asn (NM_015180.6); short protein forms K5818N.
Identifiers: ClinVar variation 2237065 (VCV002237065.5), dbSNP rs1348538992, ClinGen allele CA389984657.